The following is an entry in ClinVar:

NM_003322.6(TULP1):c.1040C>T (p.Thr347Ile)

Gene: TULP1 (TUB like protein 1; minus strand). Cytogenetic location: 6p21.31.
Variant type: single nucleotide variant.
Coding change: c.1040C>T on transcript NM_003322.6 (MANE Select); coding-DNA position 1040, C replaced by T.
Protein change: p.Thr347Ile; replaces threonine 347 with isoleucine.
Molecular consequence: missense variant.
Genome position (GRCh38, 1-based): chr6:35,505,813, G>A on the plus strand (C>T on the coding strand, the complement: TULP1 is on the minus strand). VCF-style: chr6-35505813-G-A. GRCh37 (hg19) VCF-style: chr6-35473590-G-A.
Other names: c.881C>T, p.Thr294Ile (NM_001289395.2); short protein forms T294I, T347I.
Identifiers: ClinVar variation 2112701 (VCV002112701.4), dbSNP rs2533794860, ClinGen allele CA363779798.
Genomic context (GRCh38, chr6:35,505,813, plus strand): 5'-ATGAAATTCTCCCCTCCTCGGGACAGATTGGTAGGGTCGATGGAGATGAGGTAATTGGCT[G>A]TCTTGCTCCGTTTTCGTTTCCTGCCAGCCAAGAGGAACACCTGGGGAAAAGGGGAGACAG-3'
Protein context (NP_003313.3, residues 337-357): LAGRKRKRSK[Thr347Ile]ANYLISIDPT

ClinVar aggregate classification (germline): Uncertain significance (1 of 4 stars; one submission).

Submission:

Labcorp Genetics (formerly Invitae), Labcorp
Classification: Uncertain significance. Last evaluated: 2022-06-12. Review status: criteria provided, single submitter. Criteria: Invitae Variant Classification Sherloc (09022015). Collection method: clinical testing. Allele origin: germline.
Comment: In summary, the available evidence is currently insufficient to determine the role of this variant in disease. Therefore, it has been classified as a Variant of Uncertain Significance. Algorithms developed to predict the effect of missense changes on protein structure and function are either unavailable or do not agree on the potential impact of this missense change (SIFT: "Not Available"; PolyPhen-2: "Probably Damaging"; Align-GVGD: "Not Available"). This variant has not been reported in the literature in individuals affected with TULP1-related conditions. This variant is not present in population databases (gnomAD no frequency). This sequence change replaces threonine, which is neutral and polar, with isoleucine, which is neutral and non-polar, at codon 347 of the TULP1 protein (p.Thr347Ile).